The following is an entry in ClinVar:

ClinVar aggregate classification (germline): Uncertain significance (1 of 4 stars; one submission).

Conditions:
PCSK1-related disorder. Also called: PCSK1-related condition.

gnomAD v4.1: 2 of 1,614,204 alleles (0.00012%); highest among the groups gnomAD compares: Admixed American, 0.0033%; no homozygotes.

Submission:

PreventionGenetics, part of Exact Sciences
Classification: Uncertain significance for PCSK1-related condition. Last evaluated: 2025-01-18. Review status: criteria provided, single submitter. Criteria: ACMG Guidelines, 2015. Collection method: clinical testing. Allele origin: germline.
Comment: The PCSK1 c.38T>C variant is predicted to result in the amino acid substitution p.Phe13Ser. To our knowledge, this variant has not been reported in the literature. This variant is reported in 0.0058% of alleles in individuals of Latino descent in gnomAD. At this time, the clinical significance of this variant is uncertain due to the absence of conclusive functional and genetic evidence.

NM_000439.5(PCSK1):c.38T>C (p.Phe13Ser)

Genes: CAST (calpastatin; plus strand), PCSK1 (proprotein convertase subtilisin/kexin type 1; minus strand), LOC101929710 (uncharacterized LOC101929710; plus strand). Cytogenetic location: 5q15.
Variant type: single nucleotide variant.
Coding change: c.38T>C on transcript NM_000439.5 (MANE Select); coding-DNA position 38, T replaced by C.
Protein change: p.Phe13Ser; replaces phenylalanine 13 with serine.
Molecular consequence: missense variant. On other transcripts: intron variant (11).
Genome position (GRCh38, 1-based): chr5:96,433,005, A>G on the plus strand (T>C on the coding strand, the complement: PCSK1 is on the minus strand). VCF-style: chr5-96433005-A-G. GRCh37 (hg19) VCF-style: chr5-95768709-A-G.
Other names: c.-175+53353A>G (NM_001423250.1, NM_001423251.1, NM_001423256.1 and 6 more transcripts); c.-40+53353A>G (NM_001423258.1); c.-103+53353A>G (NM_001423253.1); short protein forms F13S.
Identifiers: ClinVar variation 5001716 (VCV005001716.1).